The following is an entry in ClinVar:

NM_003477.3(PDHX):c.542+192C>T

Gene: PDHX (pyruvate dehydrogenase complex component X; plus strand). Cytogenetic location: 11p13.
Variant type: single nucleotide variant.
Coding change: c.542+192C>T on transcript NM_003477.3 (MANE Select); 192 bases into the intron after coding-DNA position 542, C replaced by T.
Molecular consequence: intron variant.
Genome position (GRCh38, 1-based): chr11:34,957,775, C>T. VCF-style: chr11-34957775-C-T. GRCh37 (hg19) VCF-style: chr11-34979322-C-T.
Other names: c.362+192C>T (NM_001135024.2); c.342+10169C>T (NM_001166158.2).
Identifiers: ClinVar variation 683427 (VCV000683427.1), dbSNP rs2281809, ClinGen allele CA15681566.

ClinVar aggregate classification (germline): Benign (1 of 4 stars; one submission).

Allele frequency attached by ClinVar (database versions not stated): 1000 Genomes Project 30x 0.68535; 1000 Genomes Project 0.68750; TOPMed 0.69820; gnomAD 0.70168 and 0.70244.
gnomAD v4.1: 106,581 of 151,774 alleles (70%); highest among the groups gnomAD compares: Middle Eastern, 77%; 37,592 homozygotes.

Submission:

GeneDx
Classification: Benign. Last evaluated: 2018-06-14. Review status: criteria provided, single submitter. Criteria: GeneDx Variant Classification (06012015). Collection method: clinical testing. Allele origin: germline. Affected: yes.
Comment: This variant is considered likely benign or benign based on one or more of the following criteria: it is a conservative change, it occurs at a poorly conserved position in the protein, it is predicted to be benign by multiple in silico algorithms, and/or has population frequency not consistent with disease.